The following is an entry in ClinVar:

NM_001111125.3(IQSEC2):c.838C>T (p.His280Tyr)

Gene: IQSEC2 (IQ motif and Sec7 domain ArfGEF 2; minus strand). Cytogenetic location: Xp11.22.
Variant type: single nucleotide variant.
Coding change: c.838C>T on transcript NM_001111125.3 (MANE Select); coding-DNA position 838, C replaced by T.
Protein change: p.His280Tyr; replaces histidine 280 with tyrosine.
Molecular consequence: missense variant.
Genome position (GRCh38, 1-based): chrX:53,255,961, G>A on the plus strand (C>T on the coding strand, the complement: IQSEC2 is on the minus strand). VCF-style: chrX-53255961-G-A. GRCh37 (hg19) VCF-style: chrX-53285143-G-A.
Other names: c.838C>T, p.His280Tyr (NM_001410736.1); c.223C>T, p.His75Tyr (NM_015075.2); short protein forms H75Y, H280Y.
Identifiers: ClinVar variation 2830224 (VCV002830224.3), dbSNP rs1556865090, ClinGen allele CA413171907.

ClinVar aggregate classification (germline): Uncertain significance (1 of 4 stars; one submission).

Conditions:
Intellectual developmental disorder, X-linked 1. Also called: Atkin Flaitz Patil Smith syndrome; Intellectual disability, X-linked 1; MENTAL RETARDATION, X-LINKED 18; MENTAL RETARDATION, X-LINKED 78. Identifiers: Orphanet 777, MedGen C2931498, MONDO:0010656, OMIM 309530.

Allele frequency attached by ClinVar (database versions not stated): TOPMed 0.00001.

Submission:

Labcorp Genetics (formerly Invitae), Labcorp
Classification: Uncertain significance for Intellectual developmental disorder, X-linked 1. Last evaluated: 2024-09-30. Review status: criteria provided, single submitter. Criteria: Invitae Variant Classification Sherloc (09022015). Collection method: clinical testing. Allele origin: germline.
Comment: This sequence change replaces histidine, which is basic and polar, with tyrosine, which is neutral and polar, at codon 280 of the IQSEC2 protein (p.His280Tyr). This variant is not present in population databases (gnomAD no frequency). This variant has not been reported in the literature in individuals affected with IQSEC2-related conditions. Invitae Evidence Modeling of protein sequence and biophysical properties (such as structural, functional, and spatial information, amino acid conservation, physicochemical variation, residue mobility, and thermodynamic stability) indicates that this missense variant is not expected to disrupt IQSEC2 protein function with a negative predictive value of 95%. In summary, the available evidence is currently insufficient to determine the role of this variant in disease. Therefore, it has been classified as a Variant of Uncertain Significance.